The following is an entry in ClinVar:

ClinVar aggregate classification (germline): Likely benign (1 of 4 stars; one submission).

Conditions:
CRYM-related disorder. Also called: CRYM-related condition.

gnomAD v4.1: 8 of 1,613,972 alleles (0.0005%); highest among the groups gnomAD compares: Non-Finnish European, 0.00068%; no homozygotes.

Submission:

PreventionGenetics, part of Exact Sciences
Classification: Likely benign for CRYM-related condition. Last evaluated: 2025-11-17. Review status: criteria provided, single submitter. Criteria: ACMG Guidelines, 2015. Collection method: clinical testing. Allele origin: germline.
Comment: This variant is classified as likely benign based on ACMG/AMP sequence variant interpretation guidelines (Richards et al. 2015 PMID: 25741868, with internal and published modifications).

NM_001376256.1(CRYM):c.231C>A (p.Val77=)

Gene: CRYM (crystallin mu; minus strand). Cytogenetic location: 16p12.2.
Variant type: single nucleotide variant.
Coding change: c.231C>A on transcript NM_001376256.1 (MANE Select); coding-DNA position 231, C replaced by A.
Protein change: p.Val77=; no amino-acid change (valine 77 retained).
Molecular consequence: synonymous variant.
Genome position (GRCh38, 1-based): chr16:21,277,524, G>T on the plus strand (C>A on the coding strand, the complement: CRYM is on the minus strand). VCF-style: chr16-21277524-G-T. GRCh37 (hg19) VCF-style: chr16-21288845-G-T.
Other names: c.231C>A, p.Val77= (NM_001888.5).
Identifiers: ClinVar variation 4978476 (VCV004978476.1).